The following is an entry in ClinVar:

ClinVar aggregate classification (germline): Benign/Likely benign. Review status: criteria provided, multiple submitters, no conflicts (2 of 4 stars). 11 submissions from 11 submitters: Benign (1); Likely benign (10). Last evaluated 2026-05-22.

Conditions:
Hereditary cancer-predisposing syndrome. Also called: Tumor predisposition; Neoplastic Syndromes, Hereditary; Hereditary Cancer Syndrome; Hereditary neoplastic syndrome. Identifiers: Orphanet 140162, MedGen C0027672, MeSH D009386, MONDO:0015356.
Neurofibromatosis, type 1 (NF1). Also called: Peripheral type neurofibromatosis; Neurofibromatosis, type I; NEUROFIBROMATOSIS, TYPE I, SOMATIC; VON RECKLINGHAUSEN DISEASE. Identifiers: Orphanet 636, MedGen C0027831, MONDO:0018975, OMIM 162200. Disease mechanism: loss of function.
Café-au-lait macules with pulmonary stenosis (WTSN). Also called: PULMONIC STENOSIS WITH CAFE-AU-LAIT SPOTS. Identifiers: MedGen C0553586, MONDO:0008672, OMIM 193520.
Neurofibromatosis-Noonan syndrome (NFNS). Also called: NEUROFIBROMATOSIS WITH NOONAN PHENOTYPE. Identifiers: Orphanet 638, MedGen C2931482, MONDO:0011035, OMIM 601321. Disease mechanism: loss of function.
Neurofibromatosis, familial spinal (FSNF). Identifiers: Orphanet 636, MedGen C1834235, MONDO:0008078, OMIM 162210. Disease mechanism: loss of function.
Juvenile myelomonocytic leukemia (JMML). Also called: LEUKEMIA, JUVENILE MYELOMONOCYTIC, SOMATIC. Identifiers: Orphanet 86834, MedGen C0349639, MONDO:0011908, OMIM 607785, HP:0012209.

Allele frequency attached by ClinVar (database versions not stated): gnomAD 0.00001 and 0.00004; TOPMed 0.00001; gnomAD exomes 0.00004 and 0.00006; ExAC 0.00006; 1000 Genomes Project 0.00020; 1000 Genomes Project 30x 0.00031.
gnomAD v4.1: 57 of 1,614,070 alleles (0.0035%); highest among the groups gnomAD compares: South Asian, 0.045%; no homozygotes.

Submissions (11):

Myriad Genetics, Inc.
Classification: Benign for Neurofibromatosis, type 1. Last evaluated: 2026-05-22. Review status: criteria provided, single submitter. Criteria: Myriad Autosomal Dominant, Autosomal Recessive and X-Linked Classification Criteria (2023). Collection method: clinical testing. Allele origin: unknown.
Comment: This variant is considered benign. This variant is a silent/synonymous amino acid change and it is not expected to impact splicing.

Labcorp Genetics (formerly Invitae), Labcorp
Classification: Likely benign for Neurofibromatosis, type 1. Last evaluated: 2025-12-26. Review status: criteria provided, single submitter. Criteria: Invitae Variant Classification Sherloc (09022015). Collection method: clinical testing. Allele origin: germline.

Blueprint Genetics
Classification: Likely benign. Last evaluated: 2024-06-28. Review status: criteria provided, single submitter. Criteria: ACMG Guidelines, 2015. Collection method: clinical testing. Allele origin: germline.

Women's Health and Genetics/Laboratory Corporation of America, LabCorp
Classification: Likely benign. Last evaluated: 2024-06-09. Review status: criteria provided, single submitter. Criteria: LabCorp Variant Classification Summary - May 2015. Collection method: clinical testing. Allele origin: germline.

Genome-Nilou Lab
Classification: Likely benign for Neurofibromatosis, type 1. Last evaluated: 2022-03-15. Review status: criteria provided, single submitter. Criteria: ACMG Guidelines, 2015. Collection method: clinical testing. Allele origin: germline. Affected: no.

Sema4
Classification: Likely benign for Hereditary cancer-predisposing syndrome. Last evaluated: 2021-12-28. Review status: criteria provided, single submitter. Criteria: Sema4 Curation Guidelines. Collection method: curation. Allele origin: germline.

Fulgent Genetics
Classification: Likely benign for Neurofibromatosis, type 1; Neurofibromatosis, familial spinal; Café-au-lait macules with pulmonary stenosis; Neurofibromatosis-Noonan syndrome; Juvenile myelomonocytic leukemia. Last evaluated: 2021-10-13. Review status: criteria provided, single submitter. Criteria: ACMG Guidelines, 2015. Collection method: clinical testing. Allele origin: unknown.

GeneDx
Classification: Likely benign. Last evaluated: 2020-05-17. Review status: criteria provided, single submitter. Criteria: GeneDx Variant Classification Process June 2021. Collection method: clinical testing. Allele origin: germline. Affected: yes.

CeGaT Center for Human Genetics Tuebingen
Classification: Likely benign. Last evaluated: 2020-03-01. Review status: criteria provided, single submitter. Criteria: CeGaT Center For Human Genetics Tuebingen Variant Classification Criteria Version 2. Collection method: clinical testing. Allele origin: germline. Affected: yes. Observed: 1 variant allele.

PreventionGenetics, part of Exact Sciences
Classification: Likely benign. Last evaluated: 2017-11-10. Review status: criteria provided, single submitter. Criteria: ACMG Guidelines, 2015. Collection method: clinical testing. Allele origin: germline.

Ambry Genetics
Classification: Likely benign for Hereditary cancer-predisposing syndrome. Last evaluated: 2014-10-06. Review status: criteria provided, single submitter. Criteria: Ambry Autosomal Dominant and X-Linked criteria (10/2015). Collection method: clinical testing. Allele origin: germline. Observed: 1 variant allele.

Literature cited by the submitters: PubMed 10678181 (cited by Women's Health and Genetics/Laboratory Corporation of America, LabCorp); PubMed 23460398 (cited by Women's Health and Genetics/Laboratory Corporation of America, LabCorp); PubMed 29872168 (cited by Women's Health and Genetics/Laboratory Corporation of America, LabCorp).

NM_001042492.3(NF1):c.8451C>T (p.Ser2817=)

Gene: NF1 (neurofibromin 1; plus strand). Cytogenetic location: 17q11.2.
Variant type: single nucleotide variant.
Coding change: c.8451C>T on transcript NM_001042492.3 (MANE Select); coding-DNA position 8451, C replaced by T.
Protein change: p.Ser2817=; no amino-acid change (serine 2817 retained).
Molecular consequence: synonymous variant.
Genome position (GRCh38, 1-based): chr17:31,374,086, C>T. VCF-style: chr17-31374086-C-T. GRCh37 (hg19) VCF-style: chr17-29701104-C-T.
Other names: c.8388C>T, p.Ser2796= (NM_000267.4).
Identifiers: ClinVar variation 184521 (VCV000184521.57), dbSNP rs547090599, ClinGen allele CA189183.